The following is an entry in ClinVar:

ClinVar aggregate classification (germline): Uncertain significance (1 of 4 stars; one submission).

Allele frequency attached by ClinVar (database versions not stated): gnomAD exomes below 0.00001; ExAC 0.00004.
gnomAD v4.1: 1 of 1,555,724 alleles (0.000064%); highest among the groups gnomAD compares: Non-Finnish European, 0.000087%; no homozygotes.

Submission:

GeneDx
Classification: Uncertain significance. Last evaluated: 2023-09-20. Review status: criteria provided, single submitter. Criteria: GeneDx Variant Classification Process June 2021. Collection method: clinical testing. Allele origin: germline. Affected: yes.
Comment: In silico analysis supports that this missense variant has a deleterious effect on protein structure/function; Has not been previously published as pathogenic or benign to our knowledge; Not observed at significant frequency in large population cohorts (gnomAD)

NM_002055.5(GFAP):c.514T>C (p.Tyr172His)

Gene: GFAP (glial fibrillary acidic protein; minus strand). Cytogenetic location: 17q21.31.
Variant type: single nucleotide variant.
Coding change: c.514T>C on transcript NM_002055.5 (MANE Select); coding-DNA position 514, T replaced by C.
Protein change: p.Tyr172His; replaces tyrosine 172 with histidine.
Molecular consequence: missense variant.
Genome position (GRCh38, 1-based): chr17:44,914,036, A>G on the plus strand (T>C on the coding strand, the complement: GFAP is on the minus strand). VCF-style: chr17-44914036-A-G. GRCh37 (hg19) VCF-style: chr17-42991404-A-G.
Other names: c.514T>C, p.Tyr172His (NM_001131019.3, NM_001242376.3, NM_001363846.2); short protein forms Y172H.
Identifiers: ClinVar variation 2574881 (VCV002574881.2), dbSNP rs781332429, ClinGen allele CA8608999.